The following is an entry in ClinVar:

NM_000274.4(OAT):c.401A>G (p.His134Arg)

Gene: OAT (ornithine aminotransferase; minus strand). Cytogenetic location: 10q26.13.
Variant type: single nucleotide variant.
Coding change: c.401A>G on transcript NM_000274.4 (MANE Select); coding-DNA position 401, A replaced by G.
Protein change: p.His134Arg; replaces histidine 134 with arginine.
Molecular consequence: missense variant. On other transcripts: 5 prime UTR variant (2), intron variant (1).
Genome position (GRCh38, 1-based): chr10:124,408,764, T>C on the plus strand (A>G on the coding strand, the complement: OAT is on the minus strand). VCF-style: chr10-124408764-T-C. GRCh37 (hg19) VCF-style: chr10-126097333-T-C.
Other names: c.-14A>G (NM_001171814.2); c.401A>G, p.His134Arg (NM_001322965.2, NM_001322966.2, NM_001322967.2 and 3 more transcripts); c.-314A>G (NM_001322974.2); c.200-3201A>G (NM_001322971.2); short protein forms H134R.
Identifiers: ClinVar variation 1487248 (VCV001487248.5), dbSNP rs1217397711, ClinGen allele CA378637147.
Genomic context (GRCh38, chr10:124,408,764, plus strand): 5'-TTTTGAGGGTATTTAACAAAAAAAGGAAATGTTTTACCTGTATTCATAGGAAGAACTTTG[T>C]GGTAGTTGAAAAGTTTAGTAATATACTCCTCATATTCACCAAGTACGTTATTATAGAAAG-3'
Protein context (NP_000265.1, residues 124-144): EEYITKLFNY[His134Arg]KVLPMNTGVE

ClinVar aggregate classification (germline): Uncertain significance (1 of 4 stars; one submission).

Conditions:
Ornithine aminotransferase deficiency (GACR). Also called: HYPERORNITHINEMIA WITH GYRATE ATROPHY OF CHOROID AND RETINA; OAT DEFICIENCY; OKT DEFICIENCY; Ornithine ketoacid aminotransferase deficiency; Gyrate atrophy; Gyrate atrophy of choroid and retina. Identifiers: Orphanet 414, MedGen C0018425, MONDO:0009796, OMIM 258870.

Allele frequency attached by ClinVar (database versions not stated): gnomAD exomes below 0.00001.
gnomAD v4.1: 1 of 1,609,656 alleles (0.000062%); highest among the groups gnomAD compares: African/African-American, 0.0013%; no homozygotes.

Submission:

Labcorp Genetics (formerly Invitae), Labcorp
Classification: Uncertain significance for Ornithine aminotransferase deficiency. Last evaluated: 2022-07-05. Review status: criteria provided, single submitter. Criteria: Invitae Variant Classification Sherloc (09022015). Collection method: clinical testing. Allele origin: germline.
Comment: This sequence change replaces histidine, which is basic and polar, with arginine, which is basic and polar, at codon 134 of the OAT protein (p.His134Arg). This variant is present in population databases (no rsID available, gnomAD 0.007%). This variant has not been reported in the literature in individuals affected with OAT-related conditions. ClinVar contains an entry for this variant (Variation ID: 1487248). Algorithms developed to predict the effect of missense changes on protein structure and function (SIFT, PolyPhen-2, Align-GVGD) all suggest that this variant is likely to be tolerated. In summary, the available evidence is currently insufficient to determine the role of this variant in disease. Therefore, it has been classified as a Variant of Uncertain Significance.